The following is an entry in ClinVar:

NM_003722.5(TP63):c.1213-4A>G

Gene: TP63 (tumor protein p63; plus strand). Cytogenetic location: 3q28.
Variant type: single nucleotide variant.
Coding change: c.1213-4A>G on transcript NM_003722.5 (MANE Select); 4 bases into the intron before coding-DNA position 1213, A replaced by G.
Molecular consequence: intron variant.
Genome position (GRCh38, 1-based): chr3:189,872,855, A>G. VCF-style: chr3-189872855-A-G. GRCh37 (hg19) VCF-style: chr3-189590644-A-G.
Other names: c.1207-4A>G (NM_001329964.2); c.1213-4A>G (NM_001114978.2, NM_001329144.2, NM_001114979.2 and 1 more transcripts); c.1201-4A>G (NM_001329148.2); c.931-4A>G (NM_001114980.2, NM_001114981.2, NM_001329145.2 and 1 more transcripts); c.919-4A>G (NM_001329149.2); c.676-4A>G (NM_001329146.2); c.664-4A>G (NM_001329150.2).
Identifiers: ClinVar variation 1537026 (VCV001537026.9), dbSNP rs763128484, ClinGen allele CA2752387.
Genomic context (GRCh38, chr3:189,872,855, plus strand): 5'-ACCACACTTCTAACAGTTCTACAGCTTTTCATGTTTCCTTCTTTCCTTCTGCTCACTTCC[A>G]TAGGTGAGGGGCCGTGAGACTTATGAAATGCTGTTGAAGATCAAAGAGTCCCTGGAACTC-3'

ClinVar aggregate classification (germline): Benign. Review status: criteria provided, single submitter (1 of 4 stars). 2 submissions from 2 submitters: Benign (1). 1 of the submissions does not count toward it. Last evaluated 2024-10-29.

Conditions:
TP63-related disorder. Also called: TP63-related condition; TP63-Related Disorders. Identifiers: MedGen CN380159.
TP63-Related Spectrum Disorders.

Allele frequency attached by ClinVar (database versions not stated): gnomAD exomes 0.00001 and 0.00002; ExAC 0.00002; TOPMed 0.00003.
gnomAD v4.1: 22 of 1,614,006 alleles (0.0014%); highest among the groups gnomAD compares: Middle Eastern, 0.049%; no homozygotes.

Submissions (2):

Labcorp Genetics (formerly Invitae), Labcorp
Classification: Benign. Last evaluated: 2024-10-29. Review status: criteria provided, single submitter. Criteria: Invitae Variant Classification Sherloc (09022015). Collection method: clinical testing. Allele origin: germline.

PreventionGenetics, part of Exact Sciences
Classification: Likely benign for TP63-related condition. Last evaluated: 2023-08-14. Review status: no assertion criteria provided. Collection method: clinical testing. Allele origin: germline. Not counted in ClinVar's aggregate classification.
Comment: This variant is classified as likely benign based on ACMG/AMP sequence variant interpretation guidelines (Richards et al. 2015 PMID: 25741868, with internal and published modifications).